The following is an entry in ClinVar:

NM_002230.4(JUP):c.2030C>T (p.Pro677Leu)

Gene: JUP (junction plakoglobin; minus strand). Cytogenetic location: 17q21.2.
Variant type: single nucleotide variant.
Coding change: c.2030C>T on transcript NM_002230.4 (MANE Select); coding-DNA position 2030, C replaced by T.
Protein change: p.Pro677Leu; replaces proline 677 with leucine.
Molecular consequence: missense variant.
Genome position (GRCh38, 1-based): chr17:41,757,431, G>A on the plus strand (C>T on the coding strand, the complement: JUP is on the minus strand). VCF-style: chr17-41757431-G-A. GRCh37 (hg19) VCF-style: chr17-39913683-G-A.
Other names: c.2030C>T, p.Pro677Leu (NM_001352773.2, NM_001352774.2, NM_001352775.2 and 3 more transcripts); short protein forms P677L.
Identifiers: ClinVar variation 392309 (VCV000392309.11), dbSNP rs782622653, ClinGen allele CA8565047.

ClinVar aggregate classification (germline): Conflicting classifications of pathogenicity. Review status: criteria provided, conflicting classifications (1 of 4 stars). 4 submissions from 4 submitters: Uncertain significance (3); Likely benign (1). Last evaluated 2026-01-07.

Conditions:
Cardiovascular phenotype. Identifiers: MedGen CN230736.
Naxos disease (NXD). Also called: WOOLLY HAIR, PALMOPLANTAR KERATODERMA, AND CARDIAC ABNORMALITIES; KERATOSIS PALMOPLANTARIS WITH ARRHYTHMOGENIC CARDIOMYOPATHY; MAL DE NAXOS; CARDIOMYOPATHY, ARRHYTHMOGENIC RIGHT VENTRICULAR, WITH SKIN, HAIR, AND NAIL ABNORMALITIES; PALMOPLANTAR KERATODERMA WITH ARRHYTHMOGENIC RIGHT VENTRICULAR CARDIOMYOPATHY AND WOOLLY HAIR. Identifiers: Orphanet 34217, MedGen C1832600, MONDO:0011017, OMIM 601214.
Arrhythmogenic right ventricular dysplasia 12. Also called: ARRHYTHMOGENIC RIGHT VENTRICULAR DYSPLASIA, FAMILIAL, 12. Identifiers: MedGen C1969081, MONDO:0012684, OMIM 611528.

Allele frequency attached by ClinVar (database versions not stated): ExAC 0.00002; gnomAD exomes 0.00003; gnomAD 0.00006 and 0.00007; TOPMed 0.00010.
gnomAD v4.1: 38 of 1,614,120 alleles (0.0024%); highest among the groups gnomAD compares: African/African-American, 0.017%; no homozygotes.

Submissions (4):

Labcorp Genetics (formerly Invitae), Labcorp
Classification: Uncertain significance for Arrhythmogenic right ventricular dysplasia 12; Naxos disease. Last evaluated: 2026-01-07. Review status: criteria provided, single submitter. Criteria: Invitae Variant Classification Sherloc (09022015). Collection method: clinical testing. Allele origin: germline.
Comment: This sequence change replaces proline, which is neutral and non-polar, with leucine, which is neutral and non-polar, at codon 677 of the JUP protein (p.Pro677Leu). This variant is present in population databases (rs782622653, gnomAD 0.01%). This variant has not been reported in the literature in individuals affected with JUP-related conditions. ClinVar contains an entry for this variant (Variation ID: 392309). An algorithm developed to predict the effect of missense changes on protein structure and function (PolyPhen-2) suggests that this variant is likely to be tolerated. In summary, the available evidence is currently insufficient to determine the role of this variant in disease. Therefore, it has been classified as a Variant of Uncertain Significance.

Ambry Genetics
Classification: Likely benign for Cardiovascular phenotype. Last evaluated: 2021-10-27. Review status: criteria provided, single submitter. Criteria: Ambry Variant Classification Scheme 2023. Collection method: clinical testing. Allele origin: germline.

Fulgent Genetics
Classification: Uncertain significance for Naxos disease; Arrhythmogenic right ventricular dysplasia 12. Last evaluated: 2021-07-29. Review status: criteria provided, single submitter. Criteria: ACMG Guidelines, 2015. Collection method: clinical testing. Allele origin: unknown.

GeneDx
Classification: Uncertain significance. Last evaluated: 2018-12-31. Review status: criteria provided, single submitter. Criteria: GeneDx Variant Classification (06012015). Collection method: clinical testing. Allele origin: germline. Affected: yes.
Comment: A variant of uncertain significance has been identified in the JUP gene. The P677L variant has not been published as a pathogenic variant, nor has it been reported as a benign variant to our knowledge. This variant was not observed in approximately 6,500 individuals of European and African American ancestry in the NHLBI Exome Sequencing Project, indicating it is not a common benign variant in these populations. The P677L variant is a semi-conservative amino acid substitution, which may impact secondary protein structure as these residues differ in some properties. This substitution occurs at a position that is conserved across species and in silico analysis suggests that this variant is probably damaging to the protein structure/function. However, this variant lacks observation in a significant number of affected individuals, segregation data, and functional evidence, which would further clarify its pathogenicity.